The following is an entry in ClinVar:

NM_024744.17(CARF):c.322C>T (p.Pro108Ser)

Gene: CARF (calcium responsive transcription factor; plus strand). Cytogenetic location: 2q33.2.
Variant type: single nucleotide variant.
Coding change: c.322C>T on transcript NM_024744.17 (MANE Select); coding-DNA position 322, C replaced by T.
Protein change: p.Pro108Ser; replaces proline 108 with serine.
Molecular consequence: missense variant. On other transcripts: 5 prime UTR variant (1), non-coding transcript variant (3), intron variant (2).
Genome position (GRCh38, 1-based): chr2:202,952,574, C>T. VCF-style: chr2-202952574-C-T. GRCh37 (hg19) VCF-style: chr2-203817297-C-T.
Other names: c.322C>T, p.Pro108Ser (NM_001104586.4, NM_001322427.3, NM_001322428.3); c.94C>T, p.Pro32Ser (NM_001282910.3, NM_001282911.3); c.58C>T, p.Pro20Ser (NM_001282912.3); c.286C>T, p.Pro96Ser (NM_001322429.3); c.16C>T, p.Pro6Ser (NM_001352677.2); c.-400C>T (NM_001352678.2); c.-1-3100C>T (NM_001352676.2); c.-354-3100C>T (NM_001352679.2); short protein forms P6S, P20S, P96S, P108S, P32S.
Identifiers: ClinVar variation 784583 (VCV000784583.17), dbSNP rs115268453, ClinGen allele CA2062934.
Genomic context (GRCh38, chr2:202,952,574, plus strand): 5'-AGTCTAGGCATATGCATTTGATTTTTTTTTTTTAATGCTTCCAAGATGATCGTTGCCAGC[C>T]CAACAGAAAATGGACAGGTACTTCGTGTAATTCCACCTACCCAGACAGGAATGGCACAAG-3'
Protein context (NP_079020.13, residues 98-118): SNAQMMIVAS[Pro108Ser]TENGQVLRVI

ClinVar aggregate classification (germline): Likely benign. Review status: criteria provided, multiple submitters, no conflicts (2 of 4 stars). 3 submissions from 3 submitters: Likely benign (3). Last evaluated 2024-10-01.

Allele frequency attached by ClinVar (database versions not stated): 1000 Genomes Project 0.00200; 1000 Genomes Project 30x 0.00219; ExAC 0.00320; gnomAD exomes 0.00353 and 0.00674; gnomAD 0.00379 and 0.00388; TOPMed 0.00417; ESP Exome Variant Server 0.00639.
gnomAD v4.1: 10,323 of 1,612,966 alleles (0.64%); highest among the groups gnomAD compares: Non-Finnish European, 0.81%; 38 homozygotes.

Submissions (3):

CeGaT Center for Human Genetics Tuebingen
Classification: Likely benign. Last evaluated: 2024-10-01. Review status: criteria provided, single submitter. Criteria: CeGaT Center For Human Genetics Tuebingen Variant Classification Criteria Version 2. Collection method: clinical testing. Allele origin: germline. Affected: yes. Observed: 1 variant allele.
Comment: CARF: BP4, BS2

Labcorp Genetics (formerly Invitae), Labcorp
Classification: Likely benign. Last evaluated: 2018-06-23. Review status: criteria provided, single submitter. Criteria: Invitae Variant Classification Sherloc (09022015). Collection method: clinical testing. Allele origin: germline.

Breakthrough Genomics
Classification: Likely benign. Review status: criteria provided, single submitter. Criteria: ACMG Guidelines, 2015. Collection method: not provided. Allele origin: germline. Inheritance: Unknown mechanism. Affected: yes.